The following is an entry in ClinVar:

ClinVar aggregate classification (germline): Pathogenic. Review status: criteria provided, multiple submitters, no conflicts (2 of 4 stars). 3 submissions from 3 submitters: Pathogenic (3). Last evaluated 2025-01-29.

Conditions:
Hereditary cancer-predisposing syndrome. Also called: Tumor predisposition; Neoplastic Syndromes, Hereditary; Hereditary neoplastic syndrome; Hereditary Cancer Syndrome. Identifiers: Orphanet 140162, MedGen C0027672, MeSH D009386, MONDO:0015356.
Ataxia-telangiectasia syndrome (AT). Also called: Ataxia-telangiectasia, complementation group D; AT, COMPLEMENTATION GROUP C; ATAXIA-TELANGIECTASIA, COMPLEMENTATION GROUP A; ATAXIA-TELANGIECTASIA, FRESNO VARIANT; Ataxia-telangiectasia; Ataxia telangiectasia (A-T). Identifiers: Orphanet 100, MedGen C0004135, MONDO:0008840, OMIM 208900.
Familial cancer of breast. Also called: Hereditary breast cancer; hereditary breast carcinoma; BREAST CANCER, FAMILIAL. Identifiers: Orphanet 227535, MedGen C0346153, MONDO:0016419, OMIM 114480. Disease mechanism: loss of function.

Submissions (3):

Myriad Genetics, Inc.
Classification: Pathogenic for Familial cancer of breast. Last evaluated: 2025-01-29. Review status: criteria provided, single submitter. Criteria: Myriad Autosomal Dominant, Autosomal Recessive and X-Linked Classification Criteria (2023). Collection method: clinical testing. Allele origin: unknown.
Comment: This variant is considered pathogenic. This variant creates a frameshift predicted to result in premature protein truncation.

Ambry Genetics
Classification: Pathogenic for Hereditary cancer-predisposing syndrome. Last evaluated: 2024-10-04. Review status: criteria provided, single submitter. Criteria: Ambry Variant Classification Scheme 2023. Collection method: clinical testing. Allele origin: germline.
Comment: The c.8481delT pathogenic mutation, located in coding exon 57 of the ATM gene, results from a deletion of one nucleotide at nucleotide position 8481, causing a translational frameshift with a predicted alternate stop codon (p.Q2828Nfs*29). This variant is considered to be rare based on population cohorts in the Genome Aggregation Database (gnomAD). This alteration is expected to result in loss of function by premature protein truncation or nonsense-mediated mRNA decay. As such, this alteration is interpreted as a disease-causing mutation.

Labcorp Genetics (formerly Invitae), Labcorp
Classification: Pathogenic for Ataxia-telangiectasia syndrome. Last evaluated: 2023-08-16. Review status: criteria provided, single submitter. Criteria: Invitae Variant Classification Sherloc (09022015). Collection method: clinical testing. Allele origin: germline.
Comment: This sequence change creates a premature translational stop signal (p.Gln2828Asnfs*29) in the ATM gene. It is expected to result in an absent or disrupted protein product. Loss-of-function variants in ATM are known to be pathogenic (PMID: 23807571, 25614872). For these reasons, this variant has been classified as Pathogenic. ClinVar contains an entry for this variant (Variation ID: 949064). This variant has not been reported in the literature in individuals affected with ATM-related conditions. This variant is not present in population databases (gnomAD no frequency).

Literature cited by the submitters: PubMed 23807571 (cited by Labcorp Genetics (formerly Invitae), Labcorp); PubMed 25614872 (cited by Labcorp Genetics (formerly Invitae), Labcorp).

NM_000051.4(ATM):c.8481del (p.Gln2828fs)

Genes: ATM (ATM serine/threonine kinase; plus strand), C11orf65 (chromosome 11 open reading frame 65; minus strand). Cytogenetic location: 11q22.3.
Variant type: Deletion.
Coding change: c.8481del on transcript NM_000051.4 (MANE Select); coding-DNA position 8481, one base deleted (T; older notation c.8481delT).
Protein change: p.Gln2828fs; shifts the reading frame from glutamine 2828.
Molecular consequence: frameshift variant. On other transcripts: intron variant (2).
Genome position (GRCh38, 1-based): chr11:108,345,805, T deleted; the last of 4 consecutive T bases (chr11:108,345,802-108,345,805); deleting any one gives the same sequence. VCF-style (leftmost placement, unchanged base first): chr11-108345801-AT-A. GRCh37 (hg19) VCF-style: chr11-108216528-AT-A.
Other names: c.8481delT, p.Gln2828Asnfs (NM_000051.3); c.8481del, p.Gln2828fs (NM_001351834.2); c.641-36731del (NM_001330368.2); c.695-10510del (NM_001351110.2); short protein forms Q2828fs.
Identifiers: ClinVar variation 949064 (VCV000949064.11), dbSNP rs2088278756, ClinGen allele CA1139662200.